The following is an entry in ClinVar:

ClinVar aggregate classification (germline): Conflicting classifications of pathogenicity. Review status: criteria provided, conflicting classifications (1 of 4 stars). 12 submissions from 12 submitters: Uncertain significance (3); Benign (1); Likely benign (6). 2 of the submissions do not count toward it. Last evaluated 2026-01-27.

Conditions:
MSH6-related disorder. Also called: MSH6-related condition; MSH6-Related disorders.
Lynch syndrome. Identifiers: Orphanet 144, MedGen C4552100, MONDO:0005835. Disease mechanism: loss of function.
Hereditary cancer-predisposing syndrome. Also called: Tumor predisposition; Neoplastic Syndromes, Hereditary; Hereditary Cancer Syndrome; Hereditary neoplastic syndrome. Identifiers: Orphanet 140162, MedGen C0027672, MeSH D009386, MONDO:0015356.
Hereditary nonpolyposis colorectal neoplasms. Identifiers: MedGen C0009405, MeSH D003123.
Lynch syndrome 5 (LYNCH5). Also called: Colorectal cancer, hereditary nonpolyposis, type 5; Hereditary non-polyposis colorectal cancer, type 5. Identifiers: Orphanet 144, MedGen C1833477, MONDO:0013710, OMIM 614350. Disease mechanism: loss of function.

Allele frequency attached by ClinVar (database versions not stated): ExAC 0.00001; gnomAD exomes 0.00001 and 0.00002; gnomAD 0.00009; TOPMed 0.00017.
gnomAD v4.1: 23 of 1,606,270 alleles (0.0014%); highest among the groups gnomAD compares: African/African-American, 0.025%; no homozygotes.

Submissions (13):

Labcorp Genetics (formerly Invitae), Labcorp
Classification: Likely benign for Hereditary nonpolyposis colorectal neoplasms. Last evaluated: 2026-01-27. Review status: criteria provided, single submitter. Criteria: Invitae Variant Classification Sherloc (09022015). Collection method: clinical testing. Allele origin: germline.

Quest Diagnostics Nichols Institute San Juan Capistrano
Classification: Uncertain significance. Last evaluated: 2025-04-11. Review status: criteria provided, single submitter. Criteria: Quest Diagnostics criteria. Collection method: clinical testing. Allele origin: unknown.
Comment: The MSH6 c.3439-10T>A variant has not been reported in individuals with MSH6-related conditions in the published literature. The frequency of this variant in the general population (Genome Aggregation Database) is uninformative in the assessment of its pathogenicity. Analysis of this variant using software algorithms for the prediction of the effect of nucleotide changes on MSH6 mRNA splicing yielded inconclusive findings. Based on the available information, we are unable to determine the clinical significance of this variant.

Center for Genomic Medicine, Rigshospitalet, Copenhagen University Hospital
Classification: Likely benign. Last evaluated: 2025-03-04. Review status: criteria provided, single submitter. Criteria: ACMG Guidelines, 2015. Collection method: clinical testing. Allele origin: germline.

All of Us Research Program, National Institutes of Health
Classification: Likely benign for Lynch syndrome. Last evaluated: 2023-12-18. Review status: criteria provided, single submitter. Criteria: ACMG Guidelines, 2015. Collection method: clinical testing. Allele origin: germline. Inheritance: Autosomal dominant inheritance. Observed: 13 variant alleles, 13 heterozygotes.
Comment: This study involves interpretation of variants in research participants for the purpose of population health screening. Participant phenotype was not available at the time of variant classification. Additional details can be found in publication PMID: 35346344, PMCID: PMC8962531

Women's Health and Genetics/Laboratory Corporation of America, LabCorp
Classification: Likely benign. Last evaluated: 2023-11-03. Review status: criteria provided, single submitter. Criteria: LabCorp Variant Classification Summary - May 2015. Collection method: clinical testing. Allele origin: germline.

Myriad Genetics, Inc.
Classification: Uncertain significance for Lynch syndrome 5. Last evaluated: 2023-03-28. Review status: criteria provided, single submitter. Criteria: Myriad Autosomal Dominant, Autosomal Recessive and X-Linked Classification Criteria (2023). Collection method: clinical testing. Allele origin: unknown.
Comment: This variant is classified as a variant of uncertain significance as there is insufficient evidence to determine its impact on protein function and/or cancer risk.

Sema4
Classification: Uncertain significance for Hereditary cancer-predisposing syndrome. Last evaluated: 2022-03-16. Review status: criteria provided, single submitter. Criteria: Sema4 Curation Guidelines. Collection method: curation. Allele origin: germline.
Comment: The MSH6 c.3439-10T>A variant has not been reported in the literature to our knowledge. It was observed in 7/24972 chromosomes of the African/African American subpopulation according to the Genome Aggregation Database (PMID: 32461654). The variant has been reported in ClinVar (Variation ID 182668). The evidence is insufficient to meet ACMG/AMP criteria for classifying the variant as benign or pathogenic. Thus, the clinical significance of this variant is currently uncertain.

Ambry Genetics
Classification: Likely benign for Hereditary cancer-predisposing syndrome. Last evaluated: 2019-10-01. Review status: criteria provided, single submitter. Criteria: Ambry Variant Classification Scheme 2023. Collection method: clinical testing. Allele origin: germline.

Color Diagnostics, LLC DBA Color Health
Classification: Likely benign for Hereditary cancer-predisposing syndrome. Last evaluated: 2015-12-28. Review status: criteria provided, single submitter. Criteria: ACMG Guidelines, 2015. Collection method: clinical testing. Allele origin: germline.

GeneDx
Classification: Benign. Last evaluated: 2014-07-24. Review status: criteria provided, single submitter. Criteria: GeneDx Variant Classification (06012015). Collection method: clinical testing. Allele origin: germline. Affected: yes.
Comment: This variant is considered likely benign or benign based on one or more of the following criteria: it is a conservative change, it occurs at a poorly conserved position in the protein, it is predicted to be benign by multiple in silico algorithms, and/or has population frequency not consistent with disease.

PreventionGenetics, part of Exact Sciences
Classification: Likely benign for MSH6-related condition. Last evaluated: 2020-11-10. Review status: no assertion criteria provided. Collection method: clinical testing. Allele origin: germline. Not counted in ClinVar's aggregate classification.
Comment: This variant is classified as likely benign based on ACMG/AMP sequence variant interpretation guidelines (Richards et al. 2015 PMID: 25741868, with internal and published modifications).

Counsyl
Classification: Uncertain significance for Lynch syndrome 5. Last evaluated: 2016-09-19. Review status: no assertion criteria provided. Collection method: clinical testing. Allele origin: unknown. Not counted in ClinVar's aggregate classification.

Dr. Peter K. Rogan Lab, Western University
No classification provided (evidence only). Condition: Cervical cancer. Review status: no classification provided. Collection method: in vitro. Allele origin: not applicable. Functional consequence: retained intron. Not counted in ClinVar's aggregate classification.

NM_000179.3(MSH6):c.3439-10T>A

Gene: MSH6 (mutS homolog 6; plus strand). Cytogenetic location: 2p16.3.
Variant type: single nucleotide variant.
Coding change: c.3439-10T>A on transcript NM_000179.3 (MANE Select); 10 bases into the intron before coding-DNA position 3439, T replaced by A.
Molecular consequence: intron variant.
Genome position (GRCh38, 1-based): chr2:47,804,900, T>A. VCF-style: chr2-47804900-T-A. GRCh37 (hg19) VCF-style: chr2-48032039-T-A.
Other names: c.2533-10T>A (NM_001281493.2, NM_001281494.2); c.3049-10T>A (NM_001281492.2).
Identifiers: ClinVar variation 182668 (VCV000182668.32), dbSNP rs730881819, ClinGen allele CA012890.